The following is an entry in ClinVar:

ClinVar aggregate classification (germline): Uncertain significance (1 of 4 stars; one submission).

Conditions:
Ullrich congenital muscular dystrophy 2 (UCMD2). Identifiers: Orphanet 75840, MedGen C4225314, MONDO:0014654, OMIM 616470.
Bethlem myopathy 2 (BTHLM2). Identifiers: Orphanet 536516, Orphanet 610, MedGen C4225313, MONDO:0034022, OMIM 616471.

Allele frequency attached by ClinVar (database versions not stated): ExAC 0.00002; gnomAD 0.00003; gnomAD exomes below 0.00001; TOPMed 0.00005.
gnomAD v4.1: 13 of 1,613,868 alleles (0.00081%); highest among the groups gnomAD compares: African/African-American, 0.0027%; no homozygotes.

Submission:

Labcorp Genetics (formerly Invitae), Labcorp
Classification: Uncertain significance for Bethlem myopathy 2; Ullrich congenital muscular dystrophy 2. Last evaluated: 2025-10-05. Review status: criteria provided, single submitter. Criteria: Invitae Variant Classification Sherloc (09022015). Collection method: clinical testing. Allele origin: germline.
Comment: This sequence change affects codon 1652 of the COL12A1 mRNA. It is a 'silent' change, meaning that it does not change the encoded amino acid sequence of the COL12A1 protein. It affects a nucleotide within the consensus splice site. This variant is present in population databases (rs757870884, gnomAD 0.004%). This variant has not been reported in the literature in individuals affected with COL12A1-related conditions. ClinVar contains an entry for this variant (Variation ID: 2023346). Algorithms developed to predict the effect of sequence changes on RNA splicing suggest that this variant is not likely to affect RNA splicing. In summary, the available evidence is currently insufficient to determine the role of this variant in disease. Therefore, it has been classified as a Variant of Uncertain Significance.

NM_004370.6(COL12A1):c.4956C>G (p.Thr1652=)

Gene: COL12A1 (collagen type XII alpha 1 chain; minus strand). Cytogenetic location: 6q13.
Variant type: single nucleotide variant.
Coding change: c.4956C>G on transcript NM_004370.6 (MANE Select); coding-DNA position 4956, C replaced by G.
Protein change: p.Thr1652=; no amino-acid change (threonine 1652 retained).
Molecular consequence: synonymous variant.
Genome position (GRCh38, 1-based): chr6:75,142,033, G>C on the plus strand (C>G on the coding strand, the complement: COL12A1 is on the minus strand). VCF-style: chr6-75142033-G-C. GRCh37 (hg19) VCF-style: chr6-75851749-G-C.
Other names: c.1464C>G, p.Thr488= (NM_080645.3).
Identifiers: ClinVar variation 2023346 (VCV002023346.4), dbSNP rs757870884, ClinGen allele CA3893306.